The following is an entry in ClinVar:

NM_001379500.1(COL18A1):c.1261C>T (p.Pro421Ser)

Gene: COL18A1 (collagen type XVIII alpha 1 chain; plus strand). Cytogenetic location: 21q22.3.
Variant type: single nucleotide variant.
Coding change: c.1261C>T on transcript NM_001379500.1 (MANE Select); coding-DNA position 1261, C replaced by T.
Protein change: p.Pro421Ser; replaces proline 421 with serine.
Molecular consequence: missense variant.
Genome position (GRCh38, 1-based): chr21:45,479,914, C>T. VCF-style: chr21-45479914-C-T. GRCh37 (hg19) VCF-style: chr21-46899828-C-T.
Other names: NM_130445.2:c.1261C>T; c.1801C>T, p.Pro601Ser (NM_030582.4); c.2506C>T, p.Pro836Ser (NM_130444.3); c.1801C>T (NM_030582.3); short protein forms P421S, P601S, P836S.
Identifiers: ClinVar variation 1000815 (VCV001000815.8), dbSNP rs375265466, ClinGen allele CA10066212.

ClinVar aggregate classification (germline): Uncertain significance. Review status: criteria provided, multiple submitters, no conflicts (2 of 4 stars). 5 submissions from 5 submitters: Uncertain significance (5). Last evaluated 2025-09-04.

Conditions:
Knobloch syndrome (KNO). Also called: Myopia retinal detachment encephalocele; RETINAL DETACHMENT AND OCCIPITAL ENCEPHALOCELE. Identifiers: Orphanet 1571, MedGen C1849409, MONDO:0800166.
COL18A1-related disorder. Also called: COL18A1-related disorders; COL18A1-related condition.
Inborn genetic diseases. Identifiers: MedGen C0950123, MeSH D030342.

Allele frequency attached by ClinVar (database versions not stated): gnomAD exomes 0.00002 and 0.00003; ExAC 0.00004; TOPMed 0.00013; ESP Exome Variant Server 0.00016; gnomAD 0.00017 and 0.00019.
gnomAD v4.1: 58 of 1,613,642 alleles (0.0036%); highest among the groups gnomAD compares: African/African-American, 0.071%; 1 homozygote.

Submissions (5):

PreventionGenetics, part of Exact Sciences
Classification: Uncertain significance for COL18A1-related condition. Last evaluated: 2025-09-04. Review status: criteria provided, single submitter. Criteria: ACMG Guidelines, 2015. Collection method: clinical testing. Allele origin: germline.
Comment: The COL18A1 c.1801C>T variant is predicted to result in the amino acid substitution p.Pro601Ser. To our knowledge, this variant has not been reported in the literature. This variant is present in 0.066% of alleles in individuals of African descent in gnomAD, which may be too common to be an unreported cause of disease. Although we suspect that this variant may be benign, at this time, the clinical significance of this variant is uncertain due to the absence of conclusive functional and genetic evidence.

Ambry Genetics
Classification: Uncertain significance for Inborn genetic diseases. Last evaluated: 2025-04-17. Review status: criteria provided, single submitter. Criteria: Ambry Variant Classification Scheme 2023. Collection method: clinical testing. Allele origin: germline.

GeneDx
Classification: Uncertain significance. Last evaluated: 2023-01-13. Review status: criteria provided, single submitter. Criteria: GeneDx Variant Classification Process June 2021. Collection method: clinical testing. Allele origin: germline. Affected: yes.
Comment: In silico analysis supports that this missense variant has a deleterious effect on protein structure/function; Has not been previously published as pathogenic or benign to our knowledge

Labcorp Genetics (formerly Invitae), Labcorp
Classification: Uncertain significance. Last evaluated: 2022-11-01. Review status: criteria provided, single submitter. Criteria: Invitae Variant Classification Sherloc (09022015). Collection method: clinical testing. Allele origin: germline.
Comment: This sequence change replaces proline, which is neutral and non-polar, with serine, which is neutral and polar, at codon 421 of the COL18A1 protein (p.Pro421Ser). This variant is present in population databases (rs375265466, gnomAD 0.07%). This variant has not been reported in the literature in individuals affected with COL18A1-related conditions. ClinVar contains an entry for this variant (Variation ID: 1000815). Experimental studies and prediction algorithms are not available or were not evaluated, and the functional significance of this variant is currently unknown. In summary, the available evidence is currently insufficient to determine the role of this variant in disease. Therefore, it has been classified as a Variant of Uncertain Significance.

New York Genome Center
Classification: Uncertain significance for Knobloch syndrome 1. Last evaluated: 2020-04-30. Review status: criteria provided, single submitter. Criteria: NYGC Assertion Criteria 2020. Collection method: clinical testing. Allele origin: germline. Observed: 1 heterozygote. Study: CSER-NYCKidSeq.